The following is an entry in ClinVar:

NM_005120.3(MED12):c.5535C>T (p.Asn1845=)

Gene: MED12 (mediator complex subunit 12; plus strand). Cytogenetic location: Xq13.1.
Variant type: single nucleotide variant.
Coding change: c.5535C>T on transcript NM_005120.3 (MANE Select); coding-DNA position 5535, C replaced by T.
Protein change: p.Asn1845=; no amino-acid change (asparagine 1845 retained).
Molecular consequence: synonymous variant.
Genome position (GRCh38, 1-based): chrX:71,137,013, C>T. VCF-style: chrX-71137013-C-T. GRCh37 (hg19) VCF-style: chrX-70356863-C-T.
Other names: p.N1845N:AAC>AAT; p.Asn1845=.
Identifiers: ClinVar variation 95254 (VCV000095254.28), dbSNP rs34784349, ClinGen allele CA285646.

ClinVar aggregate classification (germline): Benign/Likely benign. Review status: criteria provided, multiple submitters, no conflicts (2 of 4 stars). 9 submissions from 9 submitters: Benign (7); Likely benign (1). 1 of the submissions does not count toward it. Last evaluated 2026-02-03.

Conditions:
Familial thoracic aortic aneurysm and aortic dissection (TAAD). Also called: Thoracic aortic aneurysms and dissections. Identifiers: Orphanet 91387, MedGen C4707243, MONDO:0019625.
FG syndrome (FGS). Identifiers: MedGen C0220769, MONDO:0002010.

Allele frequency attached by ClinVar (database versions not stated): ESP Exome Variant Server 0.00080; gnomAD exomes 0.00588 and 0.02877; gnomAD 0.01002 and 0.01055; TOPMed 0.02114; 1000 Genomes Project 0.02225; ExAC 0.02259; 1000 Genomes Project 30x 0.02268.
gnomAD v4.1: 7,562 of 1,193,745 alleles (0.63%); highest among the groups gnomAD compares: Admixed American, 14%; 420 homozygotes.

Submissions (9):

Labcorp Genetics (formerly Invitae), Labcorp
Classification: Benign for FG syndrome. Last evaluated: 2026-02-03. Review status: criteria provided, single submitter. Criteria: Invitae Variant Classification Sherloc (09022015). Collection method: clinical testing. Allele origin: germline.

Blueprint Genetics
Classification: Likely benign. Last evaluated: 2024-11-26. Review status: criteria provided, single submitter. Criteria: ACMG Guidelines, 2015. Collection method: clinical testing. Allele origin: germline.

Mayo Clinic Laboratories, Mayo Clinic
Classification: Benign. Last evaluated: 2022-04-26. Review status: criteria provided, single submitter. Criteria: ACMG Guidelines, 2015. Collection method: clinical testing. Allele origin: germline. Observed: 6 variant alleles.

Ambry Genetics
Classification: Benign for Familial thoracic aortic aneurysm and aortic dissection. Last evaluated: 2014-11-25. Review status: criteria provided, single submitter. Criteria: Ambry Variant Classification Scheme 2023. Collection method: clinical testing. Allele origin: germline.

GeneDx
Classification: Benign. Last evaluated: 2014-05-23. Review status: criteria provided, single submitter. Criteria: GeneDx Variant Classification (06012015). Collection method: clinical testing. Allele origin: germline. Affected: yes.
Comment: This variant is considered likely benign or benign based on one or more of the following criteria: it is a conservative change, it occurs at a poorly conserved position in the protein, it is predicted to be benign by multiple in silico algorithms, and/or has population frequency not consistent with disease.

Eurofins Ntd Llc (ga)
Classification: Benign. Last evaluated: 2013-05-13. Review status: criteria provided, single submitter. Criteria: EGL Classification Definitions 2015. Collection method: clinical testing. Allele origin: germline. Observed: 5 variant alleles, 1 heterozygote, 4 hemizygotes.

Breakthrough Genomics
Classification: Benign. Review status: criteria provided, single submitter. Criteria: ACMG Guidelines, 2015. Collection method: not provided. Allele origin: germline. Inheritance: X-linked inheritance. Affected: yes.

PreventionGenetics, part of Exact Sciences
Classification: Benign. Review status: criteria provided, single submitter. Criteria: ACMG Guidelines, 2015. Collection method: clinical testing. Allele origin: germline.

Genetic Services Laboratory, University of Chicago
Classification: Likely benign for AllHighlyPenetrant. Review status: no assertion criteria provided. Collection method: clinical testing. Allele origin: germline. Inheritance: X-linked inheritance. Not counted in ClinVar's aggregate classification.
Comment: Likely benign based on allele frequency in 1000 Genomes Project or ESP global frequency and its presence in a patient with a rare or unrelated disease phenotype. NOT Sanger confirmed.